The following is an entry in ClinVar:

NM_001375524.1(TRRAP):c.3667G>A (p.Asp1223Asn)

Gene: TRRAP (transformation/transcription domain associated protein; plus strand). Cytogenetic location: 7q22.1.
Variant type: single nucleotide variant.
Coding change: c.3667G>A on transcript NM_001375524.1 (MANE Select); coding-DNA position 3667, G replaced by A.
Protein change: p.Asp1223Asn; replaces aspartic acid 1223 with asparagine.
Molecular consequence: missense variant.
Genome position (GRCh38, 1-based): chr7:98,931,480, G>A. VCF-style: chr7-98931480-G-A. GRCh37 (hg19) VCF-style: chr7-98529103-G-A.
Other names: c.3667G>A, p.Asp1223Asn (NM_001244580.2, NM_003496.4); short protein forms D1223N.
Identifiers: ClinVar variation 4976474 (VCV004976474.1).

ClinVar aggregate classification (germline): Uncertain significance (1 of 4 stars; one submission).

gnomAD v4.1: 1 of 1,614,118 alleles (0.000062%); highest among the groups gnomAD compares: South Asian, 0.0011%; no homozygotes.

Submission:

GeneDx
Classification: Uncertain significance. Last evaluated: 2026-02-10. Review status: criteria provided, single submitter. Criteria: GeneDx Variant Classification Process June 2021. Collection method: clinical testing. Allele origin: germline.
Comment: Not observed at significant frequency in large population cohorts (gnomAD); In silico analysis suggests that this missense variant does not alter protein structure/function; Has not been previously published as pathogenic or benign to our knowledge